The following is an entry in ClinVar:

ClinVar aggregate classification (germline): Likely benign (1 of 4 stars; one submission).

Allele frequency attached by ClinVar (database versions not stated): gnomAD 0.00048 and 0.00063; TOPMed 0.00085; 1000 Genomes Project 30x 0.00172; 1000 Genomes Project 0.00220.
gnomAD v4.1: 569 of 1,420,056 alleles (0.04%); highest among the groups gnomAD compares: East Asian, 1.2%; 3 homozygotes.

Submission:

GeneDx
Classification: Likely benign. Last evaluated: 2021-05-20. Review status: criteria provided, single submitter. Criteria: GeneDx Variant Classification Process June 2021. Collection method: clinical testing. Allele origin: germline. Affected: yes.
Comment: See Variant Classification Assertion Criteria.

NM_001080512.3(BICC1):c.2695-31A>G

Gene: BICC1 (BicC family RNA binding protein 1; plus strand). Cytogenetic location: 10q21.1.
Variant type: single nucleotide variant.
Coding change: c.2695-31A>G on transcript NM_001080512.3 (MANE Select); 31 bases into the intron before coding-DNA position 2695, A replaced by G.
Molecular consequence: intron variant.
Genome position (GRCh38, 1-based): chr10:58,820,338, A>G. VCF-style: chr10-58820338-A-G. GRCh37 (hg19) VCF-style: chr10-60580098-A-G.
Identifiers: ClinVar variation 1686676 (VCV001686676.2), dbSNP rs191526932, ClinGen allele CA5508888.